The following is an entry in ClinVar:

ClinVar aggregate classification (germline): Uncertain significance (1 of 4 stars; one submission).

Conditions:
Emery-Dreifuss muscular dystrophy 5, autosomal dominant (EDMD5). Also called: EMERY-DREIFUSS MUSCULAR DYSTROPHY 5. Identifiers: Orphanet 261, MedGen C2751805, MONDO:0013072, OMIM 612999.

gnomAD v4.1: 18 of 1,614,200 alleles (0.0011%); highest among the groups gnomAD compares: South Asian, 0.018%; no homozygotes.

Submission:

Labcorp Genetics (formerly Invitae), Labcorp
Classification: Uncertain significance for Emery-Dreifuss muscular dystrophy 5, autosomal dominant. Last evaluated: 2024-06-07. Review status: criteria provided, single submitter. Criteria: Invitae Variant Classification Sherloc (09022015). Collection method: clinical testing. Allele origin: germline.
Comment: This sequence change replaces leucine, which is neutral and non-polar, with valine, which is neutral and non-polar, at codon 3530 of the SYNE2 protein (p.Leu3530Val). This variant is present in population databases (rs553625015, gnomAD 0.02%). This variant has not been reported in the literature in individuals affected with SYNE2-related conditions. An algorithm developed to predict the effect of missense changes on protein structure and function (PolyPhen-2) suggests that this variant is likely to be disruptive. In summary, the available evidence is currently insufficient to determine the role of this variant in disease. Therefore, it has been classified as a Variant of Uncertain Significance.

NM_182914.3(SYNE2):c.10588C>G (p.Leu3530Val)

Gene: SYNE2 (spectrin repeat containing nuclear envelope protein 2; plus strand). Cytogenetic location: 14q23.2.
Variant type: single nucleotide variant.
Coding change: c.10588C>G on transcript NM_182914.3 (MANE Select); coding-DNA position 10588, C replaced by G.
Protein change: p.Leu3530Val; replaces leucine 3530 with valine.
Molecular consequence: missense variant.
Genome position (GRCh38, 1-based): chr14:64,070,801, C>G. VCF-style: chr14-64070801-C-G. GRCh37 (hg19) VCF-style: chr14-64537519-C-G.
Other names: c.10588C>G, p.Leu3530Val (NM_015180.6); short protein forms L3530V.
Identifiers: ClinVar variation 3716095 (VCV003716095.2).